The following is an entry in ClinVar:

NM_000088.4(COL1A1):c.2138G>A (p.Gly713Asp)

Gene: COL1A1 (collagen type I alpha 1 chain; minus strand). Cytogenetic location: 17q21.33.
Variant type: single nucleotide variant.
Coding change: c.2138G>A on transcript NM_000088.4 (MANE Select); coding-DNA position 2138, G replaced by A.
Protein change: p.Gly713Asp; replaces glycine 713 with aspartic acid.
Molecular consequence: missense variant.
Genome position (GRCh38, 1-based): chr17:50,191,480, C>T on the plus strand (G>A on the coding strand, the complement: COL1A1 is on the minus strand). VCF-style: chr17-50191480-C-T. GRCh37 (hg19) VCF-style: chr17-48268841-C-T.
Other names: short protein forms G713D.
Identifiers: ClinVar variation 452612 (VCV000452612.2), dbSNP rs1555573040, ClinGen allele CA400211426.

ClinVar aggregate classification (germline): Pathogenic (1 of 4 stars; one submission).

Submission:

GeneDx
Classification: Pathogenic. Last evaluated: 2017-10-04. Review status: criteria provided, single submitter. Criteria: GeneDx Variant Classification (06012015). Collection method: clinical testing. Allele origin: germline. Affected: yes.
Comment: The G713D pathogenic variant has not been published as a pathogenic variant, nor has it been reported as a benign variant to our knowledge. G713D occurs in the triple helical domain and replaces the Glycine in the canonical Gly-X-Y repeat. Variants in these Glycines result in poor winding of the collagen triple helix and a less functional protein. G713D is not observed in large population cohorts (Lek et al., 2016). The G713D variant is a non-conservative amino acid substitution, which is likely to impact secondary protein structure as these residues differ in polarity, charge, size and/or other properties. This substitution occurs at a position that is conserved across species. In silico analysis predicts this variant is probably damaging to the protein structure/function. Missense variants in nearby Glycine residues (G701S/C; G704C/S; G719S/D; G722S; G728R/E) have been reported in the Human Gene Mutation Database in association with osteogenesis imperfecta (Stenson et al., 2014), supporting the functional importance of this region of the protein.